The following is an entry in ClinVar:

ClinVar aggregate classification (germline): Likely pathogenic (1 of 4 stars; one submission).

Conditions:
COG5-congenital disorder of glycosylation. Also called: CONGENITAL DISORDER OF GLYCOSYLATION, TYPE IIi; COG5-CDG; CDG IIi. Identifiers: Orphanet 263487, MedGen C3150876, MONDO:0013325, OMIM 613612.

Submission:

Labcorp Genetics (formerly Invitae), Labcorp
Classification: Likely pathogenic for COG5-congenital disorder of glycosylation. Last evaluated: 2023-10-29. Review status: criteria provided, single submitter. Criteria: Invitae Variant Classification Sherloc (09022015). Collection method: clinical testing. Allele origin: germline.
Comment: This sequence change affects a donor splice site in intron 19 of the COG5 gene. It is expected to disrupt RNA splicing. Variants that disrupt the donor or acceptor splice site typically lead to a loss of protein function (PMID: 16199547), and loss-of-function variants in COG5 are known to be pathogenic (PMID: 23228021). This variant is not present in population databases (gnomAD no frequency). This variant has not been reported in the literature in individuals affected with COG5-related conditions. Algorithms developed to predict the effect of sequence changes on RNA splicing suggest that this variant may disrupt the consensus splice site. In summary, the currently available evidence indicates that the variant is pathogenic, but additional data are needed to prove that conclusively. Therefore, this variant has been classified as Likely Pathogenic.

Literature cited by the submitters: PubMed 16199547; PubMed 23228021.

NM_006348.5(COG5):c.2168+2T>A

Gene: COG5 (component of oligomeric golgi complex 5; minus strand). Cytogenetic location: 7q22.3.
Variant type: single nucleotide variant.
Coding change: c.2168+2T>A on transcript NM_006348.5 (MANE Select); the canonical splice donor site of the intron after coding-DNA position 2168, T replaced by A.
Molecular consequence: splice donor variant. On other transcripts: intron variant (1).
Genome position (GRCh38, 1-based): chr7:107,230,613, A>T on the plus strand (T>A on the coding strand, the complement: COG5 is on the minus strand). VCF-style: chr7-107230613-A-T. GRCh37 (hg19) VCF-style: chr7-106871058-A-T.
Other names: c.1454+2T>A (NM_001379516.1); c.1598+2T>A (NM_001379515.1); c.2006+2T>A (NM_001379511.1); c.1994+2T>A (NM_001379512.1); c.2105+2T>A (NM_181733.4); c.1853+17783T>A (NM_001379514.1); c.2168+2T>A (NM_001379513.1, NM_001161520.2).
Identifiers: ClinVar variation 2772620 (VCV002772620.3), dbSNP rs1584547374, ClinGen allele CA368939003.